The following is an entry in ClinVar:

NM_015512.5(DNAH1):c.10501A>G (p.Ile3501Val)

Gene: DNAH1 (dynein axonemal heavy chain 1; plus strand). Cytogenetic location: 3p21.1.
Variant type: single nucleotide variant.
Coding change: c.10501A>G on transcript NM_015512.5 (MANE Select); coding-DNA position 10501, A replaced by G.
Protein change: p.Ile3501Val; replaces isoleucine 3501 with valine.
Molecular consequence: missense variant.
Genome position (GRCh38, 1-based): chr3:52,393,360, A>G. VCF-style: chr3-52393360-A-G. GRCh37 (hg19) VCF-style: chr3-52427376-A-G.
Other names: short protein forms I3501V.
Identifiers: ClinVar variation 2241937 (VCV002241937.4), dbSNP rs565220060, ClinGen allele CA2435866.

ClinVar aggregate classification (germline): Uncertain significance. Review status: criteria provided, multiple submitters, no conflicts (2 of 4 stars). 2 submissions from 2 submitters: Uncertain significance (2). Last evaluated 2023-11-19.

Conditions:
Spermatogenic failure 18. Identifiers: MedGen C4539783, MONDO:0054615, OMIM 617576.
Ciliary dyskinesia, primary, 37 (CILD37). Also called: CILIARY DYSKINESIA, PRIMARY, 37, WITH OR WITHOUT SITUS INVERSUS. Identifiers: MedGen C4539798, MONDO:0033204, OMIM 617577.

Allele frequency attached by ClinVar (database versions not stated): TOPMed 0.00003; gnomAD 0.00004; gnomAD exomes 0.00012; ExAC 0.00026.
gnomAD v4.1: 187 of 1,613,880 alleles (0.012%); highest among the groups gnomAD compares: South Asian, 0.17%; 1 homozygote.

Submissions (2):

Labcorp Genetics (formerly Invitae), Labcorp
Classification: Uncertain significance for Ciliary dyskinesia, primary, 37; Spermatogenic failure 18. Last evaluated: 2023-11-19. Review status: criteria provided, single submitter. Criteria: Invitae Variant Classification Sherloc (09022015). Collection method: clinical testing. Allele origin: germline.
Comment: This sequence change replaces isoleucine, which is neutral and non-polar, with valine, which is neutral and non-polar, at codon 3501 of the DNAH1 protein (p.Ile3501Val). This variant is present in population databases (rs565220060, gnomAD 0.2%). This variant has not been reported in the literature in individuals affected with DNAH1-related conditions. ClinVar contains an entry for this variant (Variation ID: 2241937). Advanced modeling of protein sequence and biophysical properties (such as structural, functional, and spatial information, amino acid conservation, physicochemical variation, residue mobility, and thermodynamic stability) performed at Invitae indicates that this missense variant is not expected to disrupt DNAH1 protein function with a negative predictive value of 80%. In summary, the available evidence is currently insufficient to determine the role of this variant in disease. Therefore, it has been classified as a Variant of Uncertain Significance.

Ambry Genetics
Classification: Uncertain significance. Last evaluated: 2022-08-16. Review status: criteria provided, single submitter. Criteria: Ambry Variant Classification Scheme 2023. Collection method: clinical testing. Allele origin: germline.